The following is an entry in ClinVar:

ClinVar aggregate classification (germline): Likely benign. Review status: criteria provided, multiple submitters, no conflicts (2 of 4 stars). 5 submissions from 5 submitters: Likely benign (5). Last evaluated 2024-10-16.

Conditions:
Familial thoracic aortic aneurysm and aortic dissection (TAAD). Also called: Thoracic aortic aneurysms and dissections. Identifiers: Orphanet 91387, MedGen C4707243, MONDO:0019625.
Aortic aneurysm, familial thoracic 4 (AAT4). Also called: AORTIC ANEURYSM/AORTIC DISSECTION AND PATENT DUCTUS ARTERIOSUS. Identifiers: MedGen C1851504, MONDO:0007568, OMIM 132900.

Allele frequency attached by ClinVar (database versions not stated): gnomAD exomes 0.00001; ExAC 0.00002; gnomAD 0.00002; TOPMed 0.00002.
gnomAD v4.1: 29 of 1,614,062 alleles (0.0018%); highest among the groups gnomAD compares: East Asian, 0.036%; no homozygotes.

Submissions (5):

Labcorp Genetics (formerly Invitae), Labcorp
Classification: Likely benign for Aortic aneurysm, familial thoracic 4. Last evaluated: 2024-10-16. Review status: criteria provided, single submitter. Criteria: Invitae Variant Classification Sherloc (09022015). Collection method: clinical testing. Allele origin: germline.

Blueprint Genetics
Classification: Likely benign. Last evaluated: 2024-10-07. Review status: criteria provided, single submitter. Criteria: ACMG Guidelines, 2015. Collection method: clinical testing. Allele origin: germline.

Color Diagnostics, LLC DBA Color Health
Classification: Likely benign for Familial thoracic aortic aneurysm and aortic dissection. Last evaluated: 2023-12-12. Review status: criteria provided, single submitter. Criteria: ACMG Guidelines, 2015. Collection method: clinical testing. Allele origin: germline.

Ambry Genetics
Classification: Likely benign for Familial thoracic aortic aneurysm and aortic dissection. Last evaluated: 2023-01-14. Review status: criteria provided, single submitter. Criteria: Ambry Variant Classification Scheme 2023. Collection method: clinical testing. Allele origin: germline.

GeneDx
Classification: Likely benign. Last evaluated: 2017-07-10. Review status: criteria provided, single submitter. Criteria: GeneDx Variant Classification (06012015). Collection method: clinical testing. Allele origin: germline. Affected: yes.
Comment: This variant is considered likely benign or benign based on one or more of the following criteria: it is a conservative change, it occurs at a poorly conserved position in the protein, it is predicted to be benign by multiple in silico algorithms, and/or has population frequency not consistent with disease.

NM_002474.3(MYH11):c.5451G>A (p.Ala1817=)

Genes: MYH11 (myosin heavy chain 11; minus strand), NDE1 (nudE neurodevelopment protein 1; plus strand). Cytogenetic location: 16p13.11.
Variant type: single nucleotide variant.
Coding change: c.5451G>A on transcript NM_002474.3 (MANE Select); coding-DNA position 5451, G replaced by A.
Protein change: p.Ala1817=; no amino-acid change (alanine 1817 retained).
Molecular consequence: synonymous variant. On other transcripts: intron variant (2).
Genome position (GRCh38, 1-based): chr16:15,717,193, C>T on the plus strand (G>A on the coding strand, the complement: MYH11 is on the minus strand). VCF-style: chr16-15717193-C-T. GRCh37 (hg19) VCF-style: chr16-15811050-C-T.
Other names: c.5472G>A, p.Ala1824= (NM_001040113.2, NM_001040114.2); c.5451G>A, p.Ala1817= (NM_022844.3); c.948-6998C>T (NM_001143979.2, NM_017668.3).
Identifiers: ClinVar variation 510646 (VCV000510646.11), dbSNP rs774717188, ClinGen allele CA7921267.
Genomic context (GRCh38, chr16:15,717,193, plus strand): 5'-CGCATACCTGGCCTCCTGCTCGACCTGCTCCTCCAGCTGTGCAATCTTGGCCTCCAGCGC[C>T]GCGATGGTGGACTTGAACTTGGACTTGACGGCCCCCTCCATCTCGTGGAGCTTGCTCCGG-3'
Protein context (NP_002465.1, residues 1807-1827): AVKSKFKSTI[Ala1817=]ALEAKIAQLE